The following is an entry in ClinVar:

NM_006254.4(PRKCD):c.967G>A (p.Ala323Thr)

Gene: PRKCD (protein kinase C delta; plus strand). Cytogenetic location: 3p21.1.
Variant type: single nucleotide variant.
Coding change: c.967G>A on transcript NM_006254.4 (MANE Select); coding-DNA position 967, G replaced by A.
Protein change: p.Ala323Thr; replaces alanine 323 with threonine.
Molecular consequence: missense variant.
Genome position (GRCh38, 1-based): chr3:53,185,682, G>A. VCF-style: chr3-53185682-G-A. GRCh37 (hg19) VCF-style: chr3-53219698-G-A.
Other names: c.967G>A, p.Ala323Thr (NM_001354679.2, NM_001354680.2, NM_212539.2 and 1 more transcripts); c.1024G>A, p.Ala342Thr (NM_001354676.2); c.1015G>A, p.Ala339Thr (NM_001354678.2); short protein forms A342T, A323T, A339T.
Identifiers: ClinVar variation 3647036 (VCV003647036.2).

ClinVar aggregate classification (germline): Uncertain significance (1 of 4 stars; one submission).

Conditions:
Autoimmune lymphoproliferative syndrome, type III caused by mutation in PRKCD. Identifiers: Orphanet 3261, Orphanet 664711, MedGen C3809928, MONDO:8000024, OMIM 615559.

Submission:

Labcorp Genetics (formerly Invitae), Labcorp
Classification: Uncertain significance for Autoimmune lymphoproliferative syndrome, type III caused by mutation in PRKCD. Last evaluated: 2024-03-27. Review status: criteria provided, single submitter. Criteria: Invitae Variant Classification Sherloc (09022015). Collection method: clinical testing. Allele origin: germline.
Comment: This sequence change replaces alanine, which is neutral and non-polar, with threonine, which is neutral and polar, at codon 323 of the PRKCD protein (p.Ala323Thr). This variant is not present in population databases (gnomAD no frequency). This variant has not been reported in the literature in individuals affected with PRKCD-related conditions. An algorithm developed to predict the effect of missense changes on protein structure and function (PolyPhen-2) suggests that this variant is likely to be tolerated. In summary, the available evidence is currently insufficient to determine the role of this variant in disease. Therefore, it has been classified as a Variant of Uncertain Significance.